The following is an entry in ClinVar:

ClinVar aggregate classification (germline): Likely benign (1 of 4 stars; one submission).

Conditions:
TBX3-related disorder. Also called: TBX3-related condition.

gnomAD v4.1: 3 of 1,576,640 alleles (0.00019%); highest among the groups gnomAD compares: Middle Eastern, 0.017%; no homozygotes.

Submission:

PreventionGenetics, part of Exact Sciences
Classification: Likely benign for TBX3-related condition. Last evaluated: 2026-06-26. Review status: criteria provided, single submitter. Criteria: ACMG Guidelines, 2015. Collection method: clinical testing. Allele origin: germline.
Comment: This variant is classified as likely benign based on ACMG/AMP sequence variant interpretation guidelines (Richards et al. 2015 PMID: 25741868, with internal and published modifications).

NM_005996.4(TBX3):c.1758G>T (p.Thr586=)

Gene: TBX3 (T-box transcription factor 3; minus strand). Cytogenetic location: 12q24.21.
Variant type: single nucleotide variant.
Coding change: c.1758G>T on transcript NM_005996.4 (MANE Select); coding-DNA position 1758, G replaced by T.
Protein change: p.Thr586=; no amino-acid change (threonine 586 retained).
Molecular consequence: synonymous variant.
Genome position (GRCh38, 1-based): chr12:114,672,255, C>A on the plus strand (G>T on the coding strand, the complement: TBX3 is on the minus strand). VCF-style: chr12-114672255-C-A. GRCh37 (hg19) VCF-style: chr12-115110060-C-A.
Other names: c.1818G>T, p.Thr606= (NM_016569.4).
Identifiers: ClinVar variation 4994877 (VCV004994877.1).
Genomic context (GRCh38, chr12:114,672,255, plus strand): 5'-GTGGCGGTGCACCGAGCTGGAGGCTGCCGCAGAGGAGGCGGCCGCCGCTGCGGCCATGTA[C>A]GTGTAGGGGTAAGGGAACAGGCTTCCGAAAGGGGACATGGCCAGGCCCTGGGGTGAGAAA-3'
Protein context (NP_005987.3, residues 576-596): PFGSLFPYPY[Thr586=]YMAAAAAASS